The following is an entry in ClinVar:

ClinVar aggregate classification (germline): Uncertain significance (1 of 4 stars; one submission).

Conditions:
Intellectual disability, autosomal recessive 42 (NEDDSBA). Also called: GLYCOSYLPHOSPHATIDYLINOSITOL BIOSYNTHESIS DEFECT 9; Neurodevelopmental disorder with dysmorphic features, spasticity, and brain abnormalities. Identifiers: Orphanet 88616, MedGen C4014343, MONDO:0014348, OMIM 615802.

Allele frequency attached by ClinVar (database versions not stated): gnomAD exomes below 0.00001.
gnomAD v4.1: 2 of 1,613,964 alleles (0.00012%); highest among the groups gnomAD compares: Non-Finnish European, 0.00017%; no homozygotes.

Submission:

Labcorp Genetics (formerly Invitae), Labcorp
Classification: Uncertain significance for Intellectual disability, autosomal recessive 42. Last evaluated: 2022-07-27. Review status: criteria provided, single submitter. Criteria: Invitae Variant Classification Sherloc (09022015). Collection method: clinical testing. Allele origin: germline.
Comment: This variant is not present in population databases (gnomAD no frequency). This sequence change replaces valine, which is neutral and non-polar, with isoleucine, which is neutral and non-polar, at codon 28 of the PGAP1 protein (p.Val28Ile). This variant has not been reported in the literature in individuals affected with PGAP1-related conditions. Algorithms developed to predict the effect of missense changes on protein structure and function (SIFT, PolyPhen-2, Align-GVGD) all suggest that this variant is likely to be tolerated. In summary, the available evidence is currently insufficient to determine the role of this variant in disease. Therefore, it has been classified as a Variant of Uncertain Significance.

NM_024989.4(PGAP1):c.82G>A (p.Val28Ile)

Gene: PGAP1 (post-GPI attachment to proteins inositol deacylase 1; minus strand). Cytogenetic location: 2q33.1.
Variant type: single nucleotide variant.
Coding change: c.82G>A on transcript NM_024989.4 (MANE Select); coding-DNA position 82, G replaced by A.
Protein change: p.Val28Ile; replaces valine 28 with isoleucine.
Molecular consequence: missense variant. On other transcripts: 5 prime UTR variant (2).
Genome position (GRCh38, 1-based): chr2:196,926,535, C>T on the plus strand (G>A on the coding strand, the complement: PGAP1 is on the minus strand). VCF-style: chr2-196926535-C-T. GRCh37 (hg19) VCF-style: chr2-197791259-C-T.
Other names: c.-525G>A (NM_001321099.2); c.-1030G>A (NM_001321100.2); short protein forms V28I.
Identifiers: ClinVar variation 2075786 (VCV002075786.4), dbSNP rs1376883591, ClinGen allele CA350182167.